The following is an entry in ClinVar:

ClinVar aggregate classification (germline): Uncertain significance. Review status: criteria provided, multiple submitters, no conflicts (2 of 4 stars). 2 submissions from 2 submitters: Uncertain significance (2). Last evaluated 2025-01-13.

Conditions:
Fanconi anemia (FA). Also called: Fanconi's anemia. Identifiers: Orphanet 84, MedGen C0015625, MeSH D005199, MONDO:0019391.
Inborn genetic diseases. Identifiers: MedGen C0950123, MeSH D030342.

Allele frequency attached by ClinVar (database versions not stated): TOPMed 0.00001.
gnomAD v4.1: 3 of 1,614,078 alleles (0.00019%); highest among the groups gnomAD compares: African/African-American, 0.0027%; no homozygotes.

Submissions (2):

Ambry Genetics
Classification: Uncertain significance for Inborn genetic diseases. Last evaluated: 2025-01-13. Review status: criteria provided, single submitter. Criteria: Ambry Variant Classification Scheme 2023. Collection method: clinical testing. Allele origin: germline.
Comment: The p.P805L variant (also known as c.2414C>T), located in coding exon 26 of the FANCA gene, results from a C to T substitution at nucleotide position 2414. The proline at codon 805 is replaced by leucine, an amino acid with similar properties. This amino acid position is conserved. In addition, this alteration is predicted to be tolerated by in silico analysis. Based on the available evidence, the clinical significance of this variant remains unclear.

Labcorp Genetics (formerly Invitae), Labcorp
Classification: Uncertain significance for Fanconi anemia. Last evaluated: 2020-11-04. Review status: criteria provided, single submitter. Criteria: Invitae Variant Classification Sherloc (09022015). Collection method: clinical testing. Allele origin: germline.
Comment: In summary, the available evidence is currently insufficient to determine the role of this variant in disease. Therefore, it has been classified as a Variant of Uncertain Significance. Advanced modeling of protein sequence and biophysical properties (such as structural, functional, and spatial information, amino acid conservation, physicochemical variation, residue mobility, and thermodynamic stability) performed at Invitae indicates that this missense variant is not expected to disrupt FANCA protein function. This variant has not been reported in the literature in individuals with FANCA-related conditions. This variant is not present in population databases (ExAC no frequency). This sequence change replaces proline with leucine at codon 805 of the FANCA protein (p.Pro805Leu). The proline residue is weakly conserved and there is a moderate physicochemical difference between proline and leucine.

NM_000135.4(FANCA):c.2414C>T (p.Pro805Leu)

Gene: FANCA (FA complementation group A; minus strand). Cytogenetic location: 16q24.3.
Variant type: single nucleotide variant.
Coding change: c.2414C>T on transcript NM_000135.4 (MANE Select); coding-DNA position 2414, C replaced by T.
Protein change: p.Pro805Leu; replaces proline 805 with leucine.
Molecular consequence: missense variant.
Genome position (GRCh38, 1-based): chr16:89,769,927, G>A on the plus strand (C>T on the coding strand, the complement: FANCA is on the minus strand). VCF-style: chr16-89769927-G-A. GRCh37 (hg19) VCF-style: chr16-89836335-G-A.
Other names: c.2414C>T (NM_000135.2); c.2414C>T, p.Pro805Leu (NM_001286167.3); short protein forms P805L.
Identifiers: ClinVar variation 1468106 (VCV001468106.9), dbSNP rs1303230442, ClinGen allele CA397443636.
Genomic context (GRCh38, chr16:89,769,927, plus strand): 5'-CTACAGGTCAGGAGGCTGTCAAAGAGCGCAGGGACAGGAAGGCCAGCACCAGGTGCAGGA[G>A]GACCCACATCCACCTCTGGGAGCGCAGACCTGGACTCACCCAGGTGCACGGCCAGGGCAG-3'
Protein context (NP_000126.2, residues 795-815): RSALPEVDVG[Pro805Leu]PAPGAGLPVP